The following is an entry in ClinVar:

ClinVar aggregate classification (germline): Uncertain significance. Review status: criteria provided, multiple submitters, no conflicts (2 of 4 stars). 2 submissions from 2 submitters: Uncertain significance (2). Last evaluated 2025-10-06.

gnomAD v4.1: 2 of 1,614,154 alleles (0.00012%); highest among the groups gnomAD compares: Non-Finnish European, 0.00017%; no homozygotes.

Submissions (2):

Ambry Genetics
Classification: Uncertain significance. Last evaluated: 2025-10-06. Review status: criteria provided, single submitter. Criteria: Ambry Variant Classification Scheme 2023. Collection method: clinical testing. Allele origin: germline.

Labcorp Genetics (formerly Invitae), Labcorp
Classification: Uncertain significance. Last evaluated: 2025-04-27. Review status: criteria provided, single submitter. Criteria: Invitae Variant Classification Sherloc (09022015). Collection method: clinical testing. Allele origin: germline.
Comment: This sequence change replaces threonine, which is neutral and polar, with serine, which is neutral and polar, at codon 872 of the FAT2 protein (p.Thr872Ser). This variant is not present in population databases (gnomAD no frequency). This variant has not been reported in the literature in individuals affected with FAT2-related conditions. An algorithm developed to predict the effect of missense changes on protein structure and function (PolyPhen-2) suggests that this variant is likely to be disruptive. In summary, the available evidence is currently insufficient to determine the role of this variant in disease. Therefore, it has been classified as a Variant of Uncertain Significance.

NM_001447.3(FAT2):c.2615C>G (p.Thr872Ser)

Gene: FAT2 (FAT atypical cadherin 2; minus strand). Cytogenetic location: 5q33.1.
Variant type: single nucleotide variant.
Coding change: c.2615C>G on transcript NM_001447.3 (MANE Select); coding-DNA position 2615, C replaced by G.
Protein change: p.Thr872Ser; replaces threonine 872 with serine.
Molecular consequence: missense variant.
Genome position (GRCh38, 1-based): chr5:151,566,317, G>C on the plus strand (C>G on the coding strand, the complement: FAT2 is on the minus strand). VCF-style: chr5-151566317-G-C. GRCh37 (hg19) VCF-style: chr5-150945878-G-C.
Other names: short protein forms T872S.
Identifiers: ClinVar variation 4667138 (VCV004667138.2).